The following is an entry in ClinVar:

ClinVar aggregate classification (germline): Uncertain significance (1 of 4 stars; one submission).

Allele frequency attached by ClinVar (database versions not stated): gnomAD exomes 0.00001; ExAC 0.00003.
gnomAD v4.1: 8 of 1,607,988 alleles (0.0005%); highest among the groups gnomAD compares: Non-Finnish European, 0.00068%; no homozygotes.

Submission:

Labcorp Genetics (formerly Invitae), Labcorp
Classification: Uncertain significance. Last evaluated: 2021-12-02. Review status: criteria provided, single submitter. Criteria: Invitae Variant Classification Sherloc (09022015). Collection method: clinical testing. Allele origin: germline.
Comment: In summary, the available evidence is currently insufficient to determine the role of this variant in disease. Therefore, it has been classified as a Variant of Uncertain Significance. Algorithms developed to predict the effect of sequence changes on RNA splicing suggest that this variant may create or strengthen a splice site. Algorithms developed to predict the effect of missense changes on protein structure and function output the following: SIFT: "Tolerated"; PolyPhen-2: "Benign"; Align-GVGD: "Class C0". The glutamine amino acid residue is found in multiple mammalian species, which suggests that this missense change does not adversely affect protein function. This variant has not been reported in the literature in individuals affected with RTTN-related conditions. This variant is present in population databases (rs780831377, gnomAD 0.003%). This sequence change replaces histidine, which is basic and polar, with glutamine, which is neutral and polar, at codon 1738 of the RTTN protein (p.His1738Gln).

NM_173630.4(RTTN):c.5214C>G (p.His1738Gln)

Gene: RTTN (rotatin; minus strand). Cytogenetic location: 18q22.2.
Variant type: single nucleotide variant.
Coding change: c.5214C>G on transcript NM_173630.4 (MANE Select); coding-DNA position 5214, C replaced by G.
Protein change: p.His1738Gln; replaces histidine 1738 with glutamine.
Molecular consequence: missense variant.
Genome position (GRCh38, 1-based): chr18:70,051,520, G>C on the plus strand (C>G on the coding strand, the complement: RTTN is on the minus strand). VCF-style: chr18-70051520-G-C. GRCh37 (hg19) VCF-style: chr18-67718756-G-C.
Other names: c.2478C>G, p.His826Gln (NM_001318520.2); short protein forms H1738Q, H826Q.
Identifiers: ClinVar variation 1504438 (VCV001504438.6), dbSNP rs780831377, ClinGen allele CA8995005.